The following is an entry in ClinVar:

ClinVar aggregate classification (germline): Pathogenic (1 of 4 stars; one submission).

Conditions:
Ritscher-Schinzel syndrome. Also called: CRANIOCEREBELLOCARDIAC DYSPLASIA. Identifiers: Orphanet 7, MedGen C0796137, MONDO:0019078.
Hereditary spastic paraplegia 8 (SPG8). Also called: SPASTIC PARAPLEGIA 8, AUTOSOMAL DOMINANT. Identifiers: Orphanet 100989, MedGen C1863704, MONDO:0011339, OMIM 603563.

gnomAD v4.1: 5 of 1,604,934 alleles (0.00031%); highest among the groups gnomAD compares: Admixed American, 0.0067%; no homozygotes.

Submission:

Labcorp Genetics (formerly Invitae), Labcorp
Classification: Pathogenic for Ritscher-Schinzel syndrome; Hereditary spastic paraplegia 8. Last evaluated: 2025-01-02. Review status: criteria provided, single submitter. Criteria: Invitae Variant Classification Sherloc (09022015). Collection method: clinical testing. Allele origin: germline.
Comment: This sequence change creates a premature translational stop signal (p.Gln1055*) in the WASHC5 gene. It is expected to result in an absent or disrupted protein product. Loss-of-function variants in WASHC5 are known to be pathogenic (PMID: 24065355). This variant is present in population databases (no rsID available, gnomAD 0.009%). This variant has not been reported in the literature in individuals affected with WASHC5-related conditions. For these reasons, this variant has been classified as Pathogenic.

Literature cited by the submitters: PubMed 24065355.

NM_014846.4(WASHC5):c.3163C>T (p.Gln1055Ter)

Gene: WASHC5 (WASH complex subunit 5; minus strand). Cytogenetic location: 8q24.13.
Variant type: single nucleotide variant.
Coding change: c.3163C>T on transcript NM_014846.4 (MANE Select); coding-DNA position 3163, C replaced by T.
Protein change: p.Gln1055Ter; replaces glutamine 1055 with a stop codon.
Molecular consequence: nonsense.
Genome position (GRCh38, 1-based): chr8:125,037,255, G>A on the plus strand (C>T on the coding strand, the complement: WASHC5 is on the minus strand). VCF-style: chr8-125037255-G-A. GRCh37 (hg19) VCF-style: chr8-126049497-G-A.
Other names: c.2719C>T, p.Gln907Ter (NM_001330609.2); short protein forms Q1055*, Q907*.
Identifiers: ClinVar variation 3763973 (VCV003763973.2).